The following is an entry in ClinVar:

NM_001164508.2(NEB):c.7974C>G (p.Asp2658Glu)

Gene: NEB (nebulin; minus strand). Cytogenetic location: 2q23.3.
Variant type: single nucleotide variant.
Coding change: c.7974C>G on transcript NM_001164508.2 (MANE Select); coding-DNA position 7974, C replaced by G.
Protein change: p.Asp2658Glu; replaces aspartic acid 2658 with glutamic acid.
Molecular consequence: missense variant.
Genome position (GRCh38, 1-based): chr2:151,643,336, G>C on the plus strand (C>G on the coding strand, the complement: NEB is on the minus strand). VCF-style: chr2-151643336-G-C. GRCh37 (hg19) VCF-style: chr2-152499850-G-C.
Other names: c.7974C>G, p.Asp2658Glu (NM_001164507.2, NM_001271208.2, NM_004543.5); short protein forms D2658E.
Identifiers: ClinVar variation 3572768 (VCV003572768.1).

ClinVar aggregate classification (germline): Uncertain significance (1 of 4 stars; one submission).

Submission:

GeneDx
Classification: Uncertain significance. Last evaluated: 2024-07-13. Review status: criteria provided, single submitter. Criteria: GeneDx Variant Classification Process June 2021. Collection method: clinical testing. Allele origin: germline. Affected: yes.
Comment: Not observed at significant frequency in large population cohorts (gnomAD); In silico analysis indicates that this missense variant does not alter protein structure/function; Has not been previously published as pathogenic or benign to our knowledge